The following is an entry in ClinVar:

NM_173854.6(SLC41A1):c.1168C>T (p.Arg390Cys)

Gene: SLC41A1 (solute carrier family 41 member 1; minus strand). Cytogenetic location: 1q32.1.
Variant type: single nucleotide variant.
Coding change: c.1168C>T on transcript NM_173854.6 (MANE Select); coding-DNA position 1168, C replaced by T.
Protein change: p.Arg390Cys; replaces arginine 390 with cysteine.
Molecular consequence: missense variant.
Genome position (GRCh38, 1-based): chr1:205,795,383, G>A on the plus strand (C>T on the coding strand, the complement: SLC41A1 is on the minus strand). VCF-style: chr1-205795383-G-A. GRCh37 (hg19) VCF-style: chr1-205764511-G-A.
Other names: c.1168C>T (NM_173854.4); short protein forms R390C.
Identifiers: ClinVar variation 2716471 (VCV002716471.4), dbSNP rs781347037, ClinGen allele CA1357201.

ClinVar aggregate classification (germline): Uncertain significance. Review status: criteria provided, multiple submitters, no conflicts (2 of 4 stars). 2 submissions from 2 submitters: Uncertain significance (2). Last evaluated 2025-04-28.

Allele frequency attached by ClinVar (database versions not stated): ExAC 0.00002.
gnomAD v4.1: 7 of 1,614,200 alleles (0.00043%); highest among the groups gnomAD compares: Admixed American, 0.0067%; no homozygotes.

Submissions (2):

Labcorp Genetics (formerly Invitae), Labcorp
Classification: Uncertain significance. Last evaluated: 2025-04-28. Review status: criteria provided, single submitter. Criteria: Invitae Variant Classification Sherloc (09022015). Collection method: clinical testing. Allele origin: germline.
Comment: This sequence change replaces arginine, which is basic and polar, with cysteine, which is neutral and slightly polar, at codon 390 of the SLC41A1 protein (p.Arg390Cys). This variant is present in population databases (rs781347037, gnomAD 0.01%). This variant has not been reported in the literature in individuals affected with SLC41A1-related conditions. ClinVar contains an entry for this variant (Variation ID: 2716471). An algorithm developed to predict the effect of missense changes on protein structure and function (PolyPhen-2) suggests that this variant is likely to be disruptive. In summary, the available evidence is currently insufficient to determine the role of this variant in disease. Therefore, it has been classified as a Variant of Uncertain Significance.

Ambry Genetics
Classification: Uncertain significance. Last evaluated: 2024-07-30. Review status: criteria provided, single submitter. Criteria: Ambry Variant Classification Scheme 2023. Collection method: clinical testing. Allele origin: germline.